The following is an entry in ClinVar:

ClinVar aggregate classification (germline): Uncertain significance (1 of 4 stars; one submission).

Conditions:
KBG syndrome (KBGS). Also called: ANKRD11-Related KBG Syndrome. Identifiers: Orphanet 2332, MedGen C0220687, MONDO:0007846, OMIM 148050.

gnomAD v4.1: 7 of 1,541,196 alleles (0.00045%); highest among the groups gnomAD compares: South Asian, 0.0012%; no homozygotes.

Submission:

Labcorp Genetics (formerly Invitae), Labcorp
Classification: Uncertain significance for KBG syndrome. Last evaluated: 2024-02-14. Review status: criteria provided, single submitter. Criteria: Invitae Variant Classification Sherloc (09022015). Collection method: clinical testing. Allele origin: germline.
Comment: This sequence change replaces proline, which is neutral and non-polar, with arginine, which is basic and polar, at codon 2246 of the ANKRD11 protein (p.Pro2246Arg). This variant is not present in population databases (gnomAD no frequency). This variant has not been reported in the literature in individuals affected with ANKRD11-related conditions. Advanced modeling of protein sequence and biophysical properties (such as structural, functional, and spatial information, amino acid conservation, physicochemical variation, residue mobility, and thermodynamic stability) performed at Invitae indicates that this missense variant is not expected to disrupt ANKRD11 protein function with a negative predictive value of 95%. In summary, the available evidence is currently insufficient to determine the role of this variant in disease. Therefore, it has been classified as a Variant of Uncertain Significance.

NM_013275.6(ANKRD11):c.6737C>G (p.Pro2246Arg)

Gene: ANKRD11 (ankyrin repeat domain 11; minus strand). Cytogenetic location: 16q24.3.
Variant type: single nucleotide variant.
Coding change: c.6737C>G on transcript NM_013275.6 (MANE Select); coding-DNA position 6737, C replaced by G.
Protein change: p.Pro2246Arg; replaces proline 2246 with arginine.
Molecular consequence: missense variant.
Genome position (GRCh38, 1-based): chr16:89,279,805, G>C on the plus strand (C>G on the coding strand, the complement: ANKRD11 is on the minus strand). VCF-style: chr16-89279805-G-C. GRCh37 (hg19) VCF-style: chr16-89346213-G-C.
Other names: c.6737C>G, p.Pro2246Arg (NM_001256182.2, NM_001256183.2); short protein forms P2246R.
Identifiers: ClinVar variation 3008859 (VCV003008859.3), dbSNP rs1381182295, ClinGen allele CA397150123.